The following is an entry in ClinVar:

ClinVar aggregate classification (germline): Likely pathogenic (1 of 4 stars; one submission).

Conditions:
Maple syrup urine disease type 1A (MSUD1A). Also called: MSUD type 1A. Identifiers: MedGen C1855369, MONDO:0023691, OMIM 248600.

Submission:

Juno Genomics, Hangzhou Juno Genomics, Inc
Classification: Likely pathogenic for Maple syrup urine disease type 1A. Review status: criteria provided, single submitter. Criteria: ACMG Guidelines, 2015. Collection method: clinical testing. Allele origin: germline. Affected: yes.
Comment: Absent from controls (or at extremely low frequency if recessive) in Genome Aggregation Database, Exome Sequencing Project, 1000 Genomes Project, or Exome Aggregation Consortium.;Null variant in a gene where loss of function (LOF) is a known mechanism of disease.

NM_000709.4(BCKDHA):c.822del (p.Thr275fs)

Gene: BCKDHA (branched chain keto acid dehydrogenase E1 subunit alpha; plus strand). Cytogenetic location: 19q13.2.
Variant type: Deletion.
Coding change: c.822del on transcript NM_000709.4 (MANE Select); coding-DNA position 822, one base deleted (C; older notation c.822delC).
Protein change: p.Thr275fs; shifts the reading frame from threonine 275.
Molecular consequence: frameshift variant.
Genome position (GRCh38, 1-based): chr19:41,422,339, C deleted; the last of 3 consecutive C bases (chr19:41,422,337-41,422,339); deleting any one gives the same sequence. VCF-style (leftmost placement, unchanged base first): chr19-41422336-GC-G. GRCh37 (hg19) VCF-style: chr19-41928241-GC-G.
Other names: c.822del, p.Thr275fs (NM_001164783.2); short protein forms T275fs.
Identifiers: ClinVar variation 3392488 (VCV003392488.2).